The following is an entry in ClinVar:

NM_000094.4(COL7A1):c.4448G>C (p.Gly1483Ala)

Gene: COL7A1 (collagen type VII alpha 1 chain; minus strand). Cytogenetic location: 3p21.31.
Variant type: single nucleotide variant.
Coding change: c.4448G>C on transcript NM_000094.4 (MANE Select); coding-DNA position 4448, G replaced by C.
Protein change: p.Gly1483Ala; replaces glycine 1483 with alanine.
Molecular consequence: missense variant.
Genome position (GRCh38, 1-based): chr3:48,583,161, C>G on the plus strand (G>C on the coding strand, the complement: COL7A1 is on the minus strand). VCF-style: chr3-48583161-C-G. GRCh37 (hg19) VCF-style: chr3-48620594-C-G.
Other names: short protein forms G1483A.
Identifiers: ClinVar variation 1905108 (VCV001905108.5), dbSNP rs756217590, ClinGen allele CA352691389.
Genomic context (GRCh38, chr3:48,583,161, plus strand): 5'-CTTGGCACCCCCCAGGTTGCACTTACCTTCTCTCCAGCCTCACCCAGGGGCCCTGGAAAG[C>G]CCCGGTCACCCTGAAGAGAGAGGGTGAGAGAAAGACAGAGAGAGAGAGGGTTGGTGGCGG-3'
Protein context (NP_000085.1, residues 1473-1493): PGAIGPKGDR[Gly1483Ala]FPGPLGEAGE

ClinVar aggregate classification (germline): Uncertain significance (1 of 4 stars; one submission).

Submission:

Labcorp Genetics (formerly Invitae), Labcorp
Classification: Uncertain significance. Last evaluated: 2022-04-11. Review status: criteria provided, single submitter. Criteria: Invitae Variant Classification Sherloc (09022015). Collection method: clinical testing. Allele origin: germline.
Comment: In summary, the available evidence is currently insufficient to determine the role of this variant in disease. Therefore, it has been classified as a Variant of Uncertain Significance. This variant disrupts the triple helix domain of COL7A1. Glycine residues within the Gly-Xaa-Yaa repeats of the triple helix domain are required for the structure and stability of fibrillar collagens (PMID: 7695699, 8218237, 19344236), and variants at these glycine residues in COL7A1 are more frequently observed in individuals with disease than in the general population (PMID: 22058051). However, the clinical significance of this observation remains uncertain since only a limited number of affected individuals have been described to date. Advanced modeling of protein sequence and biophysical properties (such as structural, functional, and spatial information, amino acid conservation, physicochemical variation, residue mobility, and thermodynamic stability) performed at Invitae indicates that this missense variant is expected to disrupt COL7A1 protein function. This variant has not been reported in the literature in individuals affected with COL7A1-related conditions. This variant is not present in population databases (gnomAD no frequency). This sequence change replaces glycine, which is neutral and non-polar, with alanine, which is neutral and non-polar, at codon 1483 of the COL7A1 protein (p.Gly1483Ala).

Literature cited by the submitters: PubMed 7695699; PubMed 8218237; PubMed 19344236; PubMed 22058051.